The following is an entry in ClinVar:

NM_003998.4(NFKB1):c.2462A>G (p.Tyr821Cys)

Gene: NFKB1 (nuclear factor kappa B subunit 1; plus strand). Cytogenetic location: 4q24.
Variant type: single nucleotide variant.
Coding change: c.2462A>G on transcript NM_003998.4 (MANE Select); coding-DNA position 2462, A replaced by G.
Protein change: p.Tyr821Cys; replaces tyrosine 821 with cysteine.
Molecular consequence: missense variant.
Genome position (GRCh38, 1-based): chr4:102,612,476, A>G. VCF-style: chr4-102612476-A-G. GRCh37 (hg19) VCF-style: chr4-103533633-A-G.
Other names: c.2459A>G, p.Tyr820Cys (NM_001165412.2, NM_001319226.2, NM_001382627.1); c.2462A>G, p.Tyr821Cys (NM_001382625.1, NM_001382626.1); c.2420A>G, p.Tyr807Cys (NM_001382628.1); short protein forms Y807C, Y820C, Y821C.
Identifiers: ClinVar variation 1479244 (VCV001479244.6), dbSNP rs764011794, ClinGen allele CA3026442.

ClinVar aggregate classification (germline): Uncertain significance (1 of 4 stars; one submission).

Allele frequency attached by ClinVar (database versions not stated): ExAC 0.00002; gnomAD exomes 0.00002 and 0.00004; gnomAD 0.00003; TOPMed 0.00003.
gnomAD v4.1: 77 of 1,613,706 alleles (0.0048%); highest among the groups gnomAD compares: East Asian, 0.011%; no homozygotes.

Submission:

Labcorp Genetics (formerly Invitae), Labcorp
Classification: Uncertain significance. Last evaluated: 2024-10-02. Review status: criteria provided, single submitter. Criteria: Invitae Variant Classification Sherloc (09022015). Collection method: clinical testing. Allele origin: germline.
Comment: This sequence change replaces tyrosine, which is neutral and polar, with cysteine, which is neutral and slightly polar, at codon 821 of the NFKB1 protein (p.Tyr821Cys). This variant is present in population databases (rs764011794, gnomAD 0.007%). This missense change has been observed in individual(s) with clinical features of common variable immunodeficiency (PMID: 32278790). ClinVar contains an entry for this variant (Variation ID: 1479244). Invitae Evidence Modeling of protein sequence and biophysical properties (such as structural, functional, and spatial information, amino acid conservation, physicochemical variation, residue mobility, and thermodynamic stability) indicates that this missense variant is not expected to disrupt NFKB1 protein function with a negative predictive value of 80%. Algorithms developed to predict the effect of sequence changes on RNA splicing suggest that this variant may create or strengthen a splice site. In summary, the available evidence is currently insufficient to determine the role of this variant in disease. Therefore, it has been classified as a Variant of Uncertain Significance.

Literature cited by the submitters: PubMed 32278790.